The following is an entry in ClinVar:

NM_001378615.1(CC2D2A):c.579C>G (p.Asn193Lys)

Genes: CC2D2A (coiled-coil and C2 domain containing 2A; plus strand), FBXL5 (F-box and leucine rich repeat protein 5; minus strand). Cytogenetic location: 4p15.32.
Variant type: single nucleotide variant.
Coding change: c.579C>G on transcript NM_001378615.1 (MANE Select); coding-DNA position 579, C replaced by G.
Protein change: p.Asn193Lys; replaces asparagine 193 with lysine.
Molecular consequence: missense variant.
Genome position (GRCh38, 1-based): chr4:15,511,285, C>G. VCF-style: chr4-15511285-C-G. GRCh37 (hg19) VCF-style: chr4-15512908-C-G.
Other names: c.579C>G, p.Asn193Lys (NM_001080522.2); c.432C>G, p.Asn144Lys (NM_001378617.1); short protein forms N193K, N144K.
Identifiers: ClinVar variation 595886 (VCV000595886.11), dbSNP rs761117385, ClinGen allele CA2863446.

ClinVar aggregate classification (germline): Uncertain significance. Review status: criteria provided, multiple submitters, no conflicts (2 of 4 stars). 6 submissions from 6 submitters: Uncertain significance (6). Last evaluated 2026-08-12.

Conditions:
Meckel-Gruber syndrome. Also called: Dysencephalia splachnocystica; DYSENCEPHALIA SPLANCHNOCYSTICA; GRUBER SYNDROME. Identifiers: Orphanet 564, MedGen C0265215, MONDO:0018921.
Joubert syndrome. Also called: Familial aplasia of the vermis; JOUBERT-BOLTSHAUSER SYNDROME. Identifiers: Orphanet 475, MedGen C5979921, MONDO:0018772.
Joubert syndrome 9 (JBTS9). Identifiers: Orphanet 2318, MedGen C2676788, MONDO:0012849, OMIM 612285.
Meckel syndrome, type 6. Identifiers: Orphanet 564, MedGen C2676790, MONDO:0012848, OMIM 612284.
Retinitis pigmentosa 93. Identifiers: MedGen C5676970, MONDO:0030797, OMIM 619845.
COACH syndrome 2. Identifiers: MedGen C5436837, MONDO:0030859, OMIM 619111.
Inborn genetic diseases. Identifiers: MedGen C0950123, MeSH D030342.
CC2D2A-related disorder. Also called: CC2D2A-related disorders; CC2D2A-related condition. Identifiers: MedGen CN239313.

Allele frequency attached by ClinVar (database versions not stated): gnomAD 0.00001; TOPMed 0.00001; gnomAD exomes 0.00002; ExAC 0.00003.
gnomAD v4.1: 36 of 1,601,658 alleles (0.0022%); highest among the groups gnomAD compares: Non-Finnish European, 0.0029%; no homozygotes.

Submissions (6):

PreventionGenetics, part of Exact Sciences
Classification: Uncertain significance for CC2D2A-related condition. Last evaluated: 2026-08-12. Review status: criteria provided, single submitter. Criteria: ACMG Guidelines, 2015. Collection method: clinical testing. Allele origin: germline.
Comment: The CC2D2A c.579C>G variant is predicted to result in the amino acid substitution p.Asn193Lys. To our knowledge, this variant has not been reported in the literature. This variant is reported in 0.0038% of alleles in individuals of European (Non-Finnish) descent in gnomAD. At this time, the clinical significance of this variant is uncertain due to the absence of conclusive functional and genetic evidence.

Blueprint Genetics
Classification: Uncertain significance. Last evaluated: 2024-07-18. Review status: criteria provided, single submitter. Criteria: ACMG Guidelines, 2015. Collection method: clinical testing. Allele origin: germline.

Fulgent Genetics
Classification: Uncertain significance for Meckel syndrome, type 6; Joubert syndrome 9; COACH syndrome 2; Retinitis pigmentosa 93. Last evaluated: 2024-05-20. Review status: criteria provided, single submitter. Criteria: ACMG Guidelines, 2015. Collection method: clinical testing. Allele origin: germline.

Labcorp Genetics (formerly Invitae), Labcorp
Classification: Uncertain significance for Joubert syndrome; Meckel-Gruber syndrome. Last evaluated: 2022-07-20. Review status: criteria provided, single submitter. Criteria: Invitae Variant Classification Sherloc (09022015). Collection method: clinical testing. Allele origin: germline.
Comment: This sequence change replaces asparagine, which is neutral and polar, with lysine, which is basic and polar, at codon 193 of the CC2D2A protein (p.Asn193Lys). This variant is present in population databases (rs761117385, gnomAD 0.004%). This variant has not been reported in the literature in individuals affected with CC2D2A-related conditions. ClinVar contains an entry for this variant (Variation ID: 595886). Advanced modeling of protein sequence and biophysical properties (such as structural, functional, and spatial information, amino acid conservation, physicochemical variation, residue mobility, and thermodynamic stability) performed at Invitae indicates that this missense variant is not expected to disrupt CC2D2A protein function. Algorithms developed to predict the effect of sequence changes on RNA splicing suggest that this variant may disrupt the consensus splice site. In summary, the available evidence is currently insufficient to determine the role of this variant in disease. Therefore, it has been classified as a Variant of Uncertain Significance.

Ambry Genetics
Classification: Uncertain significance for Inborn genetic diseases. Last evaluated: 2021-11-30. Review status: criteria provided, single submitter. Criteria: Ambry Variant Classification Scheme 2023. Collection method: clinical testing. Allele origin: germline.

Eurofins Ntd Llc (ga)
Classification: Uncertain significance. Last evaluated: 2018-01-26. Review status: criteria provided, single submitter. Criteria: EGL Classification Definitions 2015. Collection method: clinical testing. Allele origin: germline. Observed: 1 variant allele, 1 heterozygote.